The following is an entry in ClinVar:

ClinVar aggregate classification (germline): Uncertain significance (1 of 4 stars; one submission).

Conditions:
Renal cell carcinoma. Identifiers: Orphanet 217071, MedGen C0007134, MeSH D002292, MONDO:0005086, HP:0005584.

Submission:

Labcorp Genetics (formerly Invitae), Labcorp
Classification: Uncertain significance for Renal cell carcinoma. Last evaluated: 2025-11-12. Review status: criteria provided, single submitter. Criteria: Invitae Variant Classification Sherloc (09022015). Collection method: clinical testing. Allele origin: germline.
Comment: This sequence change creates a premature translational stop signal (p.Ser156Tyrfs*20) in the MET gene. It is expected to result in an absent or disrupted protein product. However, the current clinical and genetic evidence is not sufficient to establish whether loss-of-function variants in MET cause disease. This variant is not present in population databases (gnomAD no frequency). This variant has not been reported in the literature in individuals affected with MET-related conditions. ClinVar contains an entry for this variant (Variation ID: 1988429). In summary, the available evidence is currently insufficient to determine the role of this variant in disease. Therefore, it has been classified as a Variant of Uncertain Significance.

NM_000245.4(MET):c.466_467insATGT (p.Ser156fs)

Gene: MET (MET proto-oncogene, receptor tyrosine kinase; plus strand). Cytogenetic location: 7q31.2.
Variant type: Insertion.
Coding change: c.466_467insATGT on transcript NM_000245.4 (MANE Select); coding-DNA positions 466 to 467, ATGT inserted.
Protein change: p.Ser156fs; shifts the reading frame from serine 156.
Molecular consequence: frameshift variant. On other transcripts: intron variant (1).
Genome position: GRCh38 VCF-style: chr7-116699548-A-AGTAT. GRCh37 (hg19) VCF-style: chr7-116339602-A-AGTAT.
Other names: c.466_467insATGT, p.Ser156fs (NM_001127500.3, NM_001324401.3); c.-91+26973_-91+26974insATGT (NM_001324402.2); short protein forms S156fs.
Identifiers: ClinVar variation 1988429 (VCV001988429.4), dbSNP rs2485509650, ClinGen allele CA2580076261.
Genomic context (GRCh38, chr7:116,699,548, plus strand): 5'-GCGTCAACAGAGGGACCTGCCAGCGACATGTCTTTCCCCACAATCATACTGCTGACATAC[A>AGTAT]GTCGGAGGTTCACTGCATATTCTCCCCACAGATAGAAGAGCCCAGCCAGTGTCCTGACTG-3'